The following is an entry in ClinVar:

NM_001365536.1(SCN9A):c.2038C>G (p.Leu680Val)

Genes: SCN1A-AS1 (SCN1A and SCN9A antisense RNA 1; plus strand), SCN9A (sodium voltage-gated channel alpha subunit 9; minus strand). Cytogenetic location: 2q24.3.
Variant type: single nucleotide variant.
Coding change: c.2038C>G on transcript NM_001365536.1 (MANE Select); coding-DNA position 2038, C replaced by G.
Protein change: p.Leu680Val; replaces leucine 680 with valine.
Molecular consequence: missense variant.
Genome position (GRCh38, 1-based): chr2:166,281,745, G>C on the plus strand (C>G on the coding strand, the complement: SCN9A is on the minus strand). VCF-style: chr2-166281745-G-C. GRCh37 (hg19) VCF-style: chr2-167138255-G-C.
Other names: c.2005C>G, p.Leu669Val (NM_002977.4); short protein forms L669V, L680V.
Identifiers: ClinVar variation 581997 (VCV000581997.12), dbSNP rs369396806, ClinGen allele CA1944353.

ClinVar aggregate classification (germline): Conflicting classifications of pathogenicity. Review status: criteria provided, conflicting classifications (1 of 4 stars). 3 submissions from 3 submitters: Uncertain significance (2); Likely benign (1). Last evaluated 2026-02-10.

Conditions:
Neuropathy, hereditary sensory and autonomic, type 2A (HSAN2A). Also called: ACROOSTEOLYSIS, GIACCAI TYPE; ACROOSTEOLYSIS, NEUROGENIC; HSAN IIA; WNK1-Related HSAN2 (HSAN2A); MORVAN DISEASE; NEUROPATHY, CONGENITAL SENSORY. Identifiers: Orphanet 970, MedGen C2752089, MONDO:0024309, OMIM 201300.
Generalized epilepsy with febrile seizures plus, type 7 (GEFSP7). Also called: GEFS+, TYPE 7. Identifiers: Orphanet 36387, MedGen C2751778, MONDO:0013470, OMIM 613863.
SCN9A-related disorder. Also called: SCN9A-related disorders; SCN9A-related condition.
Inborn genetic diseases. Identifiers: MedGen C0950123, MeSH D030342.

Allele frequency attached by ClinVar (database versions not stated): gnomAD exomes 0.00004; ExAC 0.00006; gnomAD 0.00008 and 0.00009; TOPMed 0.00008; ESP Exome Variant Server 0.00017.
gnomAD v4.1: 22 of 1,612,974 alleles (0.0014%); highest among the groups gnomAD compares: African/African-American, 0.024%; no homozygotes.

Submissions (3):

PreventionGenetics, part of Exact Sciences
Classification: Uncertain significance for SCN9A-related condition. Last evaluated: 2026-02-10. Review status: criteria provided, single submitter. Criteria: ACMG Guidelines, 2015. Collection method: clinical testing. Allele origin: germline.
Comment: The SCN9A c.2005C>G variant is predicted to result in the amino acid substitution p.Leu669Val. To our knowledge, this variant has not been reported in the literature. This variant is reported in 0.041% of alleles in individuals of African descent in gnomAD. At this time, the clinical significance of this variant is uncertain due to the absence of conclusive functional and genetic evidence.

Labcorp Genetics (formerly Invitae), Labcorp
Classification: Likely benign for Neuropathy, hereditary sensory and autonomic, type 2A; Generalized epilepsy with febrile seizures plus, type 7. Last evaluated: 2025-11-15. Review status: criteria provided, single submitter. Criteria: Invitae Variant Classification Sherloc (09022015). Collection method: clinical testing. Allele origin: germline.

Ambry Genetics
Classification: Uncertain significance for Inborn genetic diseases. Last evaluated: 2024-06-26. Review status: criteria provided, single submitter. Criteria: Ambry Variant Classification Scheme 2023. Collection method: clinical testing. Allele origin: germline.